The following is an entry in ClinVar:

NM_001457.4(FLNB):c.5053G>A (p.Val1685Met)

Gene: FLNB (filamin B; plus strand). Cytogenetic location: 3p14.3.
Variant type: single nucleotide variant.
Coding change: c.5053G>A on transcript NM_001457.4 (MANE Select); coding-DNA position 5053, G replaced by A.
Protein change: p.Val1685Met; replaces valine 1685 with methionine.
Molecular consequence: missense variant.
Genome position (GRCh38, 1-based): chr3:58,138,473, G>A. VCF-style: chr3-58138473-G-A. GRCh37 (hg19) VCF-style: chr3-58124200-G-A.
Other names: c.5146G>A, p.Val1716Met (NM_001164317.2); c.5053G>A, p.Val1685Met (NM_001164318.2, NM_001164319.2); short protein forms V1685M, V1716M.
Identifiers: ClinVar variation 1056360 (VCV001056360.5), dbSNP rs2107233788, ClinGen allele CA353353149.
Genomic context (GRCh38, chr3:58,138,473, plus strand): 5'-ATTGAGAATGAAGATGGAACCTATGACATCTTCTACACAGCTGCCAAGCCGGGCACATAT[G>A]TGATCTATGTGCGCTTCGGTGGTGTTGATATTCCTAACAGCCCCTTCACTGTCATGGTAA-3'
Protein context (NP_001448.2, residues 1675-1695): FYTAAKPGTY[Val1685Met]IYVRFGGVDI

ClinVar aggregate classification (germline): Uncertain significance (1 of 4 stars; one submission).

Allele frequency attached by ClinVar (database versions not stated): gnomAD exomes below 0.00001.
gnomAD v4.1: 3 of 1,613,992 alleles (0.00019%); highest among the groups gnomAD compares: Non-Finnish European, 0.00017%; no homozygotes.

Submission:

Labcorp Genetics (formerly Invitae), Labcorp
Classification: Uncertain significance. Last evaluated: 2024-01-06. Review status: criteria provided, single submitter. Criteria: Invitae Variant Classification Sherloc (09022015). Collection method: clinical testing. Allele origin: germline.
Comment: This sequence change replaces valine, which is neutral and non-polar, with methionine, which is neutral and non-polar, at codon 1685 of the FLNB protein (p.Val1685Met). This variant is not present in population databases (gnomAD no frequency). This variant has not been reported in the literature in individuals affected with FLNB-related conditions. ClinVar contains an entry for this variant (Variation ID: 1056360). Advanced modeling of protein sequence and biophysical properties (such as structural, functional, and spatial information, amino acid conservation, physicochemical variation, residue mobility, and thermodynamic stability) performed at Invitae indicates that this missense variant is not expected to disrupt FLNB protein function with a negative predictive value of 95%. In summary, the available evidence is currently insufficient to determine the role of this variant in disease. Therefore, it has been classified as a Variant of Uncertain Significance.